The following is an entry in ClinVar:

NM_001082538.3(TCTN1):c.125T>C (p.Leu42Pro)

Gene: TCTN1 (tectonic family member 1; plus strand). Cytogenetic location: 12q24.11.
Variant type: single nucleotide variant.
Coding change: c.125T>C on transcript NM_001082538.3 (MANE Select); coding-DNA position 125, T replaced by C.
Protein change: p.Leu42Pro; replaces leucine 42 with proline.
Molecular consequence: missense variant. On other transcripts: 5 prime UTR variant (4), non-coding transcript variant (1).
Genome position (GRCh38, 1-based): chr12:110,614,307, T>C. VCF-style: chr12-110614307-T-C. GRCh37 (hg19) VCF-style: chr12-111052112-T-C.
Other names: c.125T>C, p.Leu42Pro (NM_001082537.3, NM_001319680.2, NM_024549.6); c.-105T>C (NM_001173975.3, NM_001319682.3); c.-132T>C (NM_001173976.2); c.-583T>C (NM_001319681.2); c.125T>C (NM_001082538.2); short protein forms L42P.
Identifiers: ClinVar variation 1469573 (VCV001469573.7), dbSNP rs1415245710, ClinGen allele CA386700649.
Genomic context (GRCh38, chr12:110,614,307, plus strand): 5'-CCCAGACCGATGCCACCCCGGCGGTGACGACAGAGGGCCTCAACTCCACCGAGGCAGCCC[T>C]GGCCACCTTCGGAACTTTCCCGTCGACCAGGCCCCCCGGGACTCCCAGGGCTCCAGGGCC-3'
Protein context (NP_001076007.1, residues 32-52): TEGLNSTEAA[Leu42Pro]ATFGTFPSTR

ClinVar aggregate classification (germline): Conflicting classifications of pathogenicity. Review status: criteria provided, conflicting classifications (1 of 4 stars). 2 submissions from 2 submitters: Uncertain significance (1); Likely benign (1). Last evaluated 2023-06-02.

Conditions:
Meckel-Gruber syndrome. Also called: DYSENCEPHALIA SPLANCHNOCYSTICA; GRUBER SYNDROME; Dysencephalia splachnocystica. Identifiers: Orphanet 564, MedGen C0265215, MONDO:0018921.
Joubert syndrome. Also called: CEREBELLOPARENCHYMAL DISORDER IV; JOUBERT-BOLTSHAUSER SYNDROME; Familial aplasia of the vermis. Identifiers: Orphanet 475, MedGen C5979921, MONDO:0018772.
Inborn genetic diseases. Identifiers: MedGen C0950123, MeSH D030342.

Allele frequency attached by ClinVar (database versions not stated): gnomAD exomes below 0.00001 and 0.00001; TOPMed below 0.00001.
gnomAD v4.1: 9 of 1,602,594 alleles (0.00056%); highest among the groups gnomAD compares: Non-Finnish European, 0.00077%; no homozygotes.

Submissions (2):

Ambry Genetics
Classification: Likely benign for Inborn genetic diseases. Last evaluated: 2023-06-02. Review status: criteria provided, single submitter. Criteria: Ambry Variant Classification Scheme 2023. Collection method: clinical testing. Allele origin: germline.

Labcorp Genetics (formerly Invitae), Labcorp
Classification: Uncertain significance for Joubert syndrome; Meckel-Gruber syndrome. Last evaluated: 2021-09-24. Review status: criteria provided, single submitter. Criteria: Invitae Variant Classification Sherloc (09022015). Collection method: clinical testing. Allele origin: germline.
Comment: This sequence change replaces leucine with proline at codon 42 of the TCTN1 protein (p.Leu42Pro). The leucine residue is weakly conserved and there is a moderate physicochemical difference between leucine and proline. This variant is not present in population databases (ExAC no frequency). This variant has not been reported in the literature in individuals affected with TCTN1-related conditions. Algorithms developed to predict the effect of missense changes on protein structure and function output the following: SIFT: "Tolerated"; PolyPhen-2: "Benign"; Align-GVGD: "Class C0". The proline amino acid residue is found in multiple mammalian species, which suggests that this missense change does not adversely affect protein function. In summary, the available evidence is currently insufficient to determine the role of this variant in disease. Therefore, it has been classified as a Variant of Uncertain Significance.